The following is an entry in ClinVar:

NM_032578.4(MYPN):c.360T>A (p.Asp120Glu)

Gene: MYPN (myopalladin; plus strand). Cytogenetic location: 10q21.3.
Variant type: single nucleotide variant.
Coding change: c.360T>A on transcript NM_032578.4 (MANE Select); coding-DNA position 360, T replaced by A.
Protein change: p.Asp120Glu; replaces aspartic acid 120 with glutamic acid.
Molecular consequence: missense variant. On other transcripts: 5 prime UTR variant (1), non-coding transcript variant (1).
Genome position (GRCh38, 1-based): chr10:68,121,798, T>A. VCF-style: chr10-68121798-T-A. GRCh37 (hg19) VCF-style: chr10-69881555-T-A.
Other names: p.D120E:GAT>GAA; c.360T>A (NM_032578.2); c.360T>A, p.Asp120Glu (NM_001256267.2); c.-763T>A (NM_001256268.2); short protein forms D120E.
Identifiers: ClinVar variation 201868 (VCV000201868.4), dbSNP rs794729068, ClinGen allele CA335266.
Genomic context (GRCh38, chr10:68,121,798, plus strand): 5'-TTCTCCTGATCAGATGAAACACTCACCTAATTTAAGTTTTGAGCCTAACTTCTGCCAGGA[T>A]AACCCTCGAAGTCCCACCAGCTCTAAAGAAAGCCCCCAGGAGGCAAAAAGGCCACAGTAT-3'
Protein context (NP_115967.2, residues 110-130): NLSFEPNFCQ[Asp120Glu]NPRSPTSSKE

ClinVar aggregate classification (germline): Conflicting classifications of pathogenicity. Review status: criteria provided, conflicting classifications (1 of 4 stars). 3 submissions from 3 submitters: Uncertain significance (2); Likely benign (1). Last evaluated 2026-09-01.

Conditions:
Cardiovascular phenotype. Identifiers: MedGen CN230736.

Allele frequency attached by ClinVar (database versions not stated): gnomAD exomes below 0.00001.
gnomAD v4.1: 1 of 1,614,184 alleles (0.000062%); highest among the groups gnomAD compares: Non-Finnish European, 0.000085%; no homozygotes.

Submissions (3):

CeGaT Center for Human Genetics Tuebingen
Classification: Uncertain significance. Last evaluated: 2026-09-01. Review status: criteria provided, single submitter. Criteria: CeGaT Center For Human Genetics Tuebingen Variant Classification Criteria Version 2. Collection method: clinical testing. Allele origin: germline. Affected: yes. Observed: 1 variant allele.
Comment: MYPN: PM2, BP4

Ambry Genetics
Classification: Uncertain significance for Cardiovascular phenotype. Last evaluated: 2023-09-05. Review status: criteria provided, single submitter. Criteria: Ambry Variant Classification Scheme 2023. Collection method: clinical testing. Allele origin: germline.
Comment: The p.D120E variant (also known as c.360T>A), located in coding exon 1 of the MYPN gene, results from a T to A substitution at nucleotide position 360. The aspartic acid at codon 120 is replaced by glutamic acid, an amino acid with highly similar properties. This amino acid position is conserved. In addition, this alteration is predicted to be tolerated by in silico analysis. Since supporting evidence is limited at this time, the clinical significance of this alteration remains unclear.

GeneDx
Classification: Likely benign. Last evaluated: 2014-08-29. Review status: criteria provided, single submitter. Criteria: GeneDx Variant Classification (06012015). Collection method: clinical testing. Allele origin: germline. Affected: yes.
Comment: This variant is considered likely benign or benign based on one or more of the following criteria: it is a conservative change, it occurs at a poorly conserved position in the protein, it is predicted to be benign by multiple in silico algorithms, and/or has population frequency not consistent with disease.